The following is an entry in ClinVar:

ClinVar aggregate classification (germline): Uncertain significance (1 of 4 stars; one submission).

Submission:

Labcorp Genetics (formerly Invitae), Labcorp
Classification: Uncertain significance. Last evaluated: 2026-02-01. Review status: criteria provided, single submitter. Criteria: Invitae Variant Classification Sherloc (09022015). Collection method: clinical testing. Allele origin: germline.
Comment: This sequence change replaces phenylalanine, which is neutral and non-polar, with leucine, which is neutral and non-polar, at codon 1061 of the ABCA12 protein (p.Phe1061Leu). This variant is not present in population databases (gnomAD no frequency). This variant has not been reported in the literature in individuals affected with ABCA12-related conditions. Invitae Evidence Modeling of protein sequence and biophysical properties (such as structural, functional, and spatial information, amino acid conservation, physicochemical variation, residue mobility, and thermodynamic stability) indicates that this missense variant is expected to disrupt ABCA12 protein function with a positive predictive value of 80%. In summary, the available evidence is currently insufficient to determine the role of this variant in disease. Therefore, it has been classified as a Variant of Uncertain Significance.

NM_173076.3(ABCA12):c.3183C>G (p.Phe1061Leu)

Gene: ABCA12 (ATP binding cassette subfamily A member 12; minus strand). Cytogenetic location: 2q35.
Variant type: single nucleotide variant.
Coding change: c.3183C>G on transcript NM_173076.3 (MANE Select); coding-DNA position 3183, C replaced by G.
Protein change: p.Phe1061Leu; replaces phenylalanine 1061 with leucine.
Molecular consequence: missense variant. On other transcripts: non-coding transcript variant (1).
Genome position (GRCh38, 1-based): chr2:214,997,806, G>C on the plus strand (C>G on the coding strand, the complement: ABCA12 is on the minus strand). VCF-style: chr2-214997806-G-C. GRCh37 (hg19) VCF-style: chr2-215862530-G-C.
Other names: c.2229C>G, p.Phe743Leu (NM_015657.4); short protein forms F1061L, F743L.
Identifiers: ClinVar variation 4798769 (VCV004798769.1).